The following is an entry in ClinVar:

NM_058195.4(CDKN2A):c.31A>C (p.Ile11Leu)

Gene: CDKN2A (cyclin dependent kinase inhibitor 2A; minus strand). Cytogenetic location: 9p21.3.
Variant type: single nucleotide variant.
Coding change: c.31A>C on transcript NM_058195.4 (MANE Plus Clinical); coding-DNA position 31, A replaced by C.
Protein change: p.Ile11Leu; replaces isoleucine 11 with leucine.
Molecular consequence: missense variant. On other transcripts: intron variant (1).
Genome position (GRCh38, 1-based): chr9:21,994,301, T>G on the plus strand (A>C on the coding strand, the complement: CDKN2A is on the minus strand). VCF-style: chr9-21994301-T-G. GRCh37 (hg19) VCF-style: chr9-21994300-T-G.
Other names: c.-4+520A>C (NM_001363763.2); short protein forms I11L.
Identifiers: ClinVar variation 3830982 (VCV003830982.1).

ClinVar aggregate classification (germline): Uncertain significance (1 of 4 stars; one submission).

Conditions:
Hereditary cancer-predisposing syndrome. Also called: Neoplastic Syndromes, Hereditary; Tumor predisposition; Hereditary Cancer Syndrome; Hereditary neoplastic syndrome. Identifiers: Orphanet 140162, MedGen C0027672, MeSH D009386, MONDO:0015356.

Submission:

Ambry Genetics
Classification: Uncertain significance for Hereditary cancer-predisposing syndrome. Last evaluated: 2025-01-15. Review status: criteria provided, single submitter. Criteria: Ambry Variant Classification Scheme 2023. Collection method: clinical testing. Allele origin: germline.
Comment: The p.I11L variant (also known as c.31A>C), located in coding exon 1 of the CDKN2A (p14ARF) gene, results from an A to C substitution at nucleotide position 31. The isoleucine at codon 11 is replaced by leucine, an amino acid with highly similar properties. This amino acid position is well conserved in available vertebrate species. Based on the available evidence, the clinical significance of this variant remains unclear.